The following is an entry in ClinVar:

NM_001286.5(CLCN6):c.1219C>G (p.Gln407Glu)

Gene: CLCN6 (chloride voltage-gated channel 6; plus strand). Cytogenetic location: 1p36.22.
Variant type: single nucleotide variant.
Coding change: c.1219C>G on transcript NM_001286.5 (MANE Select); coding-DNA position 1219, C replaced by G.
Protein change: p.Gln407Glu; replaces glutamine 407 with glutamic acid.
Molecular consequence: missense variant. On other transcripts: non-coding transcript variant (1).
Genome position (GRCh38, 1-based): chr1:11,829,293, C>G. VCF-style: chr1-11829293-C-G. GRCh37 (hg19) VCF-style: chr1-11889350-C-G.
Other names: c.1153C>G, p.Gln385Glu (NM_001256959.2); short protein forms Q385E, Q407E.
Identifiers: ClinVar variation 3650668 (VCV003650668.2).

ClinVar aggregate classification (germline): Uncertain significance (1 of 4 stars; one submission).

Submission:

Labcorp Genetics (formerly Invitae), Labcorp
Classification: Uncertain significance. Last evaluated: 2024-04-24. Review status: criteria provided, single submitter. Criteria: Invitae Variant Classification Sherloc (09022015). Collection method: clinical testing. Allele origin: germline.
Comment: This sequence change replaces glutamine, which is neutral and polar, with glutamic acid, which is acidic and polar, at codon 407 of the CLCN6 protein (p.Gln407Glu). This variant is not present in population databases (gnomAD no frequency). This variant has not been reported in the literature in individuals affected with CLCN6-related conditions. An algorithm developed to predict the effect of missense changes on protein structure and function (PolyPhen-2) suggests that this variant is likely to be tolerated. In summary, the available evidence is currently insufficient to determine the role of this variant in disease. Therefore, it has been classified as a Variant of Uncertain Significance.